The following is an entry in ClinVar:

NM_025132.4(WDR19):c.667G>A (p.Ala223Thr)

Gene: WDR19 (WD repeat domain 19; plus strand). Cytogenetic location: 4p14.
Variant type: single nucleotide variant.
Coding change: c.667G>A on transcript NM_025132.4 (MANE Select); coding-DNA position 667, G replaced by A.
Protein change: p.Ala223Thr; replaces alanine 223 with threonine.
Molecular consequence: missense variant.
Genome position (GRCh38, 1-based): chr4:39,205,217, G>A. VCF-style: chr4-39205217-G-A. GRCh37 (hg19) VCF-style: chr4-39206837-G-A.
Other names: c.187G>A, p.Ala63Thr (NM_001317924.2); short protein forms A223T, A63T.
Identifiers: ClinVar variation 1445005 (VCV001445005.5), dbSNP rs1371153516, ClinGen allele CA356633951.

ClinVar aggregate classification (germline): Uncertain significance (1 of 4 stars; one submission).

Conditions:
Asphyxiating thoracic dystrophy 5 (SRTD5). Also called: SHORT-RIB THORACIC DYSPLASIA 5 WITH OR WITHOUT POLYDACTYLY; SHORT-RIB THORACIC DYSPLASIA 5 WITHOUT POLYDACTYLY. Identifiers: Orphanet 474, MedGen C3280598, MONDO:0013717, OMIM 614376.
Senior-Loken syndrome 8 (SLSN8). Identifiers: Orphanet 3156, MedGen C4225376, MONDO:0014579, OMIM 616307.

Allele frequency attached by ClinVar (database versions not stated): gnomAD exomes 0.00001.
gnomAD v4.1: 3 of 1,603,224 alleles (0.00019%); highest among the groups gnomAD compares: Admixed American, 0.0051%; no homozygotes.

Submission:

Labcorp Genetics (formerly Invitae), Labcorp
Classification: Uncertain significance for Senior-Loken syndrome 8; Asphyxiating thoracic dystrophy 5. Last evaluated: 2021-08-14. Review status: criteria provided, single submitter. Criteria: Invitae Variant Classification Sherloc (09022015). Collection method: clinical testing. Allele origin: germline.
Comment: This sequence change replaces alanine with threonine at codon 223 of the WDR19 protein (p.Ala223Thr). The alanine residue is weakly conserved and there is a small physicochemical difference between alanine and threonine. This variant is not present in population databases (ExAC no frequency). This variant has not been reported in the literature in individuals affected with WDR19-related conditions. Algorithms developed to predict the effect of missense changes on protein structure and function (SIFT, PolyPhen-2, Align-GVGD) all suggest that this variant is likely to be tolerated. In summary, the available evidence is currently insufficient to determine the role of this variant in disease. Therefore, it has been classified as a Variant of Uncertain Significance.